The following is an entry in ClinVar:

ClinVar aggregate classification (germline): Uncertain significance (1 of 4 stars; one submission).

Submission:

CeGaT Center for Human Genetics Tuebingen
Classification: Uncertain significance. Last evaluated: 2026-07-01. Review status: criteria provided, single submitter. Criteria: CeGaT Center For Human Genetics Tuebingen Variant Classification Criteria Version 2. Collection method: clinical testing. Allele origin: germline. Affected: yes. Observed: 1 variant allele.
Comment: POU3F3: PM2

NM_006236.3(POU3F3):c.499C>A (p.Arg167Ser)

Gene: POU3F3 (POU class 3 homeobox 3; plus strand). Cytogenetic location: 2q12.1.
Variant type: single nucleotide variant.
Coding change: c.499C>A on transcript NM_006236.3 (MANE Select); coding-DNA position 499, C replaced by A.
Protein change: p.Arg167Ser; replaces arginine 167 with serine.
Molecular consequence: missense variant.
Genome position (GRCh38, 1-based): chr2:104,856,009, C>A. VCF-style: chr2-104856009-C-A. GRCh37 (hg19) VCF-style: chr2-105472467-C-A.
Other names: c.499C>A, p.Arg167Ser (NM_001433704.1); short protein forms R167S.
Identifiers: ClinVar variation 5040156 (VCV005040156.1).
Genomic context (GRCh38, chr2:104,856,009, plus strand): 5'-CCCGACGTGAAGGGCGGCGCCGGGCGCGACGACCTGCACGCGGGCACAGCGCTGCACCAC[C>A]GCGGGCCGCCGCACCTCGGACCCCCGCCGCCGCCCCCACACCAGGGCCACCCTGGGGGCT-3'
Protein context (NP_006227.1, residues 157-177): DLHAGTALHH[Arg167Ser]GPPHLGPPPP